The following is an entry in ClinVar:

ClinVar aggregate classification (germline): Uncertain significance (1 of 4 stars; one submission).

Conditions:
Hereditary cancer-predisposing syndrome. Also called: Neoplastic Syndromes, Hereditary; Tumor predisposition; Hereditary Cancer Syndrome; Hereditary neoplastic syndrome. Identifiers: Orphanet 140162, MedGen C0027672, MeSH D009386, MONDO:0015356.

Submission:

Ambry Genetics
Classification: Uncertain significance for Hereditary cancer-predisposing syndrome. Last evaluated: 2026-05-14. Review status: criteria provided, single submitter. Criteria: Ambry Variant Classification Scheme 2023. Collection method: clinical testing. Allele origin: germline.
Comment: The p.S957T variant (also known as c.2870G>C), located in coding exon 24 of the EGFR gene, results from a G to C substitution at nucleotide position 2870. The serine at codon 957 is replaced by threonine, an amino acid with similar properties. This amino acid position is conserved. In addition, the in silico prediction for this alteration is inconclusive. Based on the available evidence, the clinical significance of this variant remains unclear.

NM_005228.5(EGFR):c.2870G>C (p.Ser957Thr)

Gene: EGFR (epidermal growth factor receptor; plus strand). Cytogenetic location: 7p11.2.
Variant type: single nucleotide variant.
Coding change: c.2870G>C on transcript NM_005228.5 (MANE Select); coding-DNA position 2870, G replaced by C.
Protein change: p.Ser957Thr; replaces serine 957 with threonine.
Molecular consequence: missense variant.
Genome position (GRCh38, 1-based): chr7:55,200,337, G>C. VCF-style: chr7-55200337-G-C. GRCh37 (hg19) VCF-style: chr7-55268030-G-C.
Other names: c.2735G>C, p.Ser912Thr (NM_001346897.2, NM_001346899.2); c.2870G>C, p.Ser957Thr (NM_001346898.2); c.2711G>C, p.Ser904Thr (NM_001346900.2); c.2069G>C, p.Ser690Thr (NM_001346941.2); short protein forms S690T, S904T, S912T, S957T.
Identifiers: ClinVar variation 4870269 (VCV004870269.1).